The following is an entry in ClinVar:

ClinVar aggregate classification (germline): Uncertain significance. Review status: criteria provided, multiple submitters, no conflicts (2 of 4 stars). 2 submissions from 2 submitters: Uncertain significance (2). Last evaluated 2026-01-24.

Allele frequency attached by ClinVar (database versions not stated): TOPMed 0.00002; gnomAD 0.00003; 1000 Genomes Project 30x 0.00016; 1000 Genomes Project 0.00020.

Submissions (2):

Labcorp Genetics (formerly Invitae), Labcorp
Classification: Uncertain significance. Last evaluated: 2026-01-24. Review status: criteria provided, single submitter. Criteria: Invitae Variant Classification Sherloc (09022015). Collection method: clinical testing. Allele origin: germline.
Comment: This sequence change replaces methionine, which is neutral and non-polar, with threonine, which is neutral and polar, at codon 144 of the A2ML1 protein (p.Met144Thr). This variant is present in population databases (rs117502613, gnomAD 0.0009%). This variant has not been reported in the literature in individuals affected with A2ML1-related conditions. ClinVar contains an entry for this variant (Variation ID: 2073821). An algorithm developed to predict the effect of missense changes on protein structure and function (PolyPhen-2) suggests that this variant is likely to be tolerated. In summary, the available evidence is currently insufficient to determine the role of this variant in disease. Therefore, it has been classified as a Variant of Uncertain Significance.

Ambry Genetics
Classification: Uncertain significance. Last evaluated: 2022-10-12. Review status: criteria provided, single submitter. Criteria: Ambry Variant Classification Scheme 2023. Collection method: clinical testing. Allele origin: germline.

NM_144670.6(A2ML1):c.431T>C (p.Met144Thr)

Genes: A2ML1 (alpha-2-macroglobulin like 1; plus strand), A2ML1-AS1 (A2ML1 antisense RNA 1; minus strand). Cytogenetic location: 12p13.31.
Variant type: single nucleotide variant.
Coding change: c.431T>C on transcript NM_144670.6 (MANE Select); coding-DNA position 431, T replaced by C.
Protein change: p.Met144Thr; replaces methionine 144 with threonine.
Molecular consequence: missense variant.
Genome position (GRCh38, 1-based): chr12:8,829,748, T>C. VCF-style: chr12-8829748-T-C. GRCh37 (hg19) VCF-style: chr12-8982344-T-C.
Other names: short protein forms M144T.
Identifiers: ClinVar variation 2073821 (VCV002073821.5), dbSNP rs117502613, ClinGen allele CA232656994.